The following is an entry in ClinVar:

NM_001122769.3(LCA5):c.1730dup (p.Leu577fs)

Gene: LCA5 (lebercilin LCA5; minus strand). Cytogenetic location: 6q14.1.
Variant type: Duplication.
Coding change: c.1730dup on transcript NM_001122769.3 (MANE Select); coding-DNA position 1730, one base duplicated (T; older notation c.1730dupT).
Protein change: p.Leu577fs; shifts the reading frame from leucine 577.
Molecular consequence: frameshift variant.
Genome position (GRCh38, 1-based): chr6:79,487,368, A duplicated on the plus strand (T on the coding strand, the reverse complement: LCA5 is on the minus strand); the first of 6 consecutive A bases (chr6:79,487,368-79,487,373); duplicating any one gives the same sequence. VCF-style (leftmost placement, unchanged base first): chr6-79487367-C-CA. GRCh37 (hg19) VCF-style: chr6-80197084-C-CA.
Other names: c.1730dup, p.Leu577fs (NM_181714.4); short protein forms L577fs.
Identifiers: ClinVar variation 2676290 (VCV002676290.6), dbSNP rs1769696205, ClinGen allele CA2578676657.

ClinVar aggregate classification (germline): Pathogenic/Likely pathogenic. Review status: criteria provided, multiple submitters, no conflicts (2 of 4 stars). 3 submissions from 3 submitters: Pathogenic (1); Likely pathogenic (2). Last evaluated 2024-06-12.

Conditions:
Leber congenital amaurosis 5 (LCA5). Also called: Amaurosis congenita of Leber, type 5. Identifiers: Orphanet 65, MedGen C1858301, MONDO:0011473, OMIM 604537.

Submissions (3):

Labcorp Genetics (formerly Invitae), Labcorp
Classification: Pathogenic. Last evaluated: 2024-06-12. Review status: criteria provided, single submitter. Criteria: Invitae Variant Classification Sherloc (09022015). Collection method: clinical testing. Allele origin: germline.
Comment: This sequence change creates a premature translational stop signal (p.Leu577Phefs*12) in the LCA5 gene. While this is not anticipated to result in nonsense mediated decay, it is expected to disrupt the last 121 amino acid(s) of the LCA5 protein. This variant is not present in population databases (gnomAD no frequency). This premature translational stop signal has been observed in individual(s) with Leber congenital amaurosis (PMID: 23946133). This variant disrupts a region of the LCA5 protein in which other variant(s) (p.Lys586*) have been determined to be pathogenic (PMID: 23946133, 27624628; Invitae). This suggests that this is a clinically significant region of the protein, and that variants that disrupt it are likely to be disease-causing. For these reasons, this variant has been classified as Pathogenic.

Baylor Genetics
Classification: Likely pathogenic for Leber congenital amaurosis 5. Last evaluated: 2022-02-20. Review status: criteria provided, single submitter. Criteria: ACMG Guidelines, 2015. Collection method: clinical testing. Allele origin: unknown.

Juno Genomics, Hangzhou Juno Genomics, Inc
Classification: Likely pathogenic for Leber congenital amaurosis 5. Review status: criteria provided, single submitter. Criteria: ACMG Guidelines, 2015. Collection method: clinical testing. Allele origin: germline.
Comment: Absent from controls (or at extremely low frequency if recessive) in Genome Aggregation Database.;Null variant in a gene where loss of function (LOF) is a known mechanism of disease.;For recessive disorders, detected in trans with a pathogenic variant.;Patient's phenotype or family history is highly specific for a disease with a single genetic etiology.

Literature cited by the submitters: PubMed 23946133 (cited by Labcorp Genetics (formerly Invitae), Labcorp); PubMed 27624628 (cited by Labcorp Genetics (formerly Invitae), Labcorp).